The following is an entry in ClinVar:

NM_001287.6(CLCN7):c.1884-2A>T

Gene: CLCN7 (chloride voltage-gated channel 7; minus strand). Cytogenetic location: 16p13.3.
Variant type: single nucleotide variant.
Coding change: c.1884-2A>T on transcript NM_001287.6 (MANE Select); the canonical splice acceptor site of the intron before coding-DNA position 1884, A replaced by T.
Molecular consequence: splice acceptor variant.
Genome position (GRCh38, 1-based): chr16:1,448,486, T>A on the plus strand (A>T on the coding strand, the complement: CLCN7 is on the minus strand). VCF-style: chr16-1448486-T-A. GRCh37 (hg19) VCF-style: chr16-1498487-T-A.
Other names: c.1812-2A>T (NM_001114331.3).
Identifiers: ClinVar variation 3688761 (VCV003688761.2).
Genomic context (GRCh38, chr16:1,448,486, plus strand): 5'-CAATGACGCCGACCTTCTCACGCCGCCTCAGGCAGGTCACTGGTGTGCTCATCACCTCCC[T>A]GCCGGAGGAGCCCGGCCACACATGCCCGTCACACGCCACCAACTCCCACAGTTACCTCTG-3'

ClinVar aggregate classification (germline): Likely pathogenic (1 of 4 stars; one submission).

Submission:

Labcorp Genetics (formerly Invitae), Labcorp
Classification: Likely pathogenic. Last evaluated: 2024-02-16. Review status: criteria provided, single submitter. Criteria: Invitae Variant Classification Sherloc (09022015). Collection method: clinical testing. Allele origin: germline.
Comment: This sequence change affects an acceptor splice site in intron 20 of the CLCN7 gene. It is expected to disrupt RNA splicing. Variants that disrupt the donor or acceptor splice site typically lead to a loss of protein function (PMID: 16199547), and loss-of-function variants in CLCN7 are known to be pathogenic (PMID: 14584882, 19953639). This variant is not present in population databases (gnomAD no frequency). This variant has not been reported in the literature in individuals affected with CLCN7-related conditions. Algorithms developed to predict the effect of sequence changes on RNA splicing suggest that this variant may disrupt the consensus splice site. In summary, the currently available evidence indicates that the variant is pathogenic, but additional data are needed to prove that conclusively. Therefore, this variant has been classified as Likely Pathogenic.

Literature cited by the submitters: PubMed 16199547; PubMed 14584882; PubMed 19953639.